The following is an entry in ClinVar:

NM_017654.4(SAMD9):c.509G>A (p.Ser170Asn)

Gene: SAMD9 (sterile alpha motif domain containing 9; minus strand). Cytogenetic location: 7q21.2.
Variant type: single nucleotide variant.
Coding change: c.509G>A on transcript NM_017654.4 (MANE Select); coding-DNA position 509, G replaced by A.
Protein change: p.Ser170Asn; replaces serine 170 with asparagine.
Molecular consequence: missense variant.
Genome position (GRCh38, 1-based): chr7:93,105,589, C>T on the plus strand (G>A on the coding strand, the complement: SAMD9 is on the minus strand). VCF-style: chr7-93105589-C-T. GRCh37 (hg19) VCF-style: chr7-92734902-C-T.
Other names: c.509G>A, p.Ser170Asn (NM_001193307.2); short protein forms S170N.
Identifiers: ClinVar variation 4827009 (VCV004827009.2).

ClinVar aggregate classification (germline): Uncertain significance. Review status: criteria provided, multiple submitters, no conflicts (2 of 4 stars). 2 submissions from 2 submitters: Uncertain significance (2). Last evaluated 2026-02-28.

Conditions:
Inborn genetic diseases. Identifiers: MedGen C0950123, MeSH D030342.

gnomAD v4.1: 2 of 1,614,096 alleles (0.00012%); highest among the groups gnomAD compares: Non-Finnish European, 0.000085%; no homozygotes.

Submissions (2):

Ambry Genetics
Classification: Uncertain significance for Inborn genetic diseases. Last evaluated: 2026-02-28. Review status: criteria provided, single submitter. Criteria: Ambry Variant Classification Scheme 2023. Collection method: clinical testing. Allele origin: germline.
Comment: The p.S170N variant (also known as c.509G>A), located in coding exon 1 of the SAMD9 gene, results from a G to A substitution at nucleotide position 509. The serine at codon 170 is replaced by asparagine, an amino acid with highly similar properties. This amino acid position is conserved. In addition, this alteration is predicted to be tolerated by in silico analysis. Based on the available evidence, the clinical significance of this variant remains unclear.

Blueprint Genetics
Classification: Uncertain significance. Last evaluated: 2022-01-03. Review status: criteria provided, single submitter. Criteria: ACMG Guidelines, 2015. Collection method: clinical testing. Allele origin: germline.